The following is an entry in ClinVar:

NM_006005.3(WFS1):c.157G>C (p.Gly53Arg)

Gene: WFS1 (wolframin ER transmembrane glycoprotein; plus strand). Cytogenetic location: 4p16.1.
Variant type: single nucleotide variant.
Coding change: c.157G>C on transcript NM_006005.3 (MANE Select); coding-DNA position 157, G replaced by C.
Protein change: p.Gly53Arg; replaces glycine 53 with arginine.
Molecular consequence: missense variant.
Genome position (GRCh38, 1-based): chr4:6,277,612, G>C. VCF-style: chr4-6277612-G-C. GRCh37 (hg19) VCF-style: chr4-6279339-G-C.
Other names: c.157G>C, p.Gly53Arg (NM_001145853.1); short protein forms G53R.
Identifiers: ClinVar variation 1718594 (VCV001718594.5), dbSNP rs1324272693, ClinGen allele CA356169745.

ClinVar aggregate classification (germline): Uncertain significance (1 of 4 stars; one submission).

Allele frequency attached by ClinVar (database versions not stated): gnomAD 0.00001.
gnomAD v4.1: 4 of 1,575,638 alleles (0.00025%); highest among the groups gnomAD compares: Non-Finnish European, 0.00034%; no homozygotes.

Submission:

Labcorp Genetics (formerly Invitae), Labcorp
Classification: Uncertain significance. Last evaluated: 2022-10-15. Review status: criteria provided, single submitter. Criteria: Invitae Variant Classification Sherloc (09022015). Collection method: clinical testing. Allele origin: germline.
Comment: This variant is not present in population databases (gnomAD no frequency). This sequence change replaces glycine, which is neutral and non-polar, with arginine, which is basic and polar, at codon 53 of the WFS1 protein (p.Gly53Arg). In summary, the available evidence is currently insufficient to determine the role of this variant in disease. Therefore, it has been classified as a Variant of Uncertain Significance. Advanced modeling of protein sequence and biophysical properties (such as structural, functional, and spatial information, amino acid conservation, physicochemical variation, residue mobility, and thermodynamic stability) performed at Invitae indicates that this missense variant is not expected to disrupt WFS1 protein function. This variant has not been reported in the literature in individuals affected with WFS1-related conditions.